The following is an entry in ClinVar:

ClinVar aggregate classification (germline): Likely benign. Review status: criteria provided, multiple submitters, no conflicts (2 of 4 stars). 6 submissions from 6 submitters: Likely benign (6). Last evaluated 2026-04-04.

Conditions:
Joubert syndrome. Also called: Familial aplasia of the vermis; JOUBERT-BOLTSHAUSER SYNDROME. Identifiers: Orphanet 475, MedGen C5979921, MONDO:0018772.
Joubert syndrome 3 (JBTS3). Also called: AHI1-related Ciliopathy. Identifiers: Orphanet 220493, MedGen C1837713, MONDO:0012078, OMIM 608629.
AHI1-related disorder. Also called: AHI1-related condition.

Allele frequency attached by ClinVar (database versions not stated): gnomAD 0.00006 and 0.00007; TOPMed 0.00007; ESP Exome Variant Server 0.00017.
gnomAD v4.1: 153 of 1,613,868 alleles (0.0095%); highest among the groups gnomAD compares: Middle Eastern, 0.12%; 1 homozygote.

Submissions (6):

PreventionGenetics, part of Exact Sciences
Classification: Likely benign for AHI1-related condition. Last evaluated: 2026-04-04. Review status: criteria provided, single submitter. Criteria: ACMG Guidelines, 2015. Collection method: clinical testing. Allele origin: germline.
Comment: This variant is classified as likely benign based on ACMG/AMP sequence variant interpretation guidelines (Richards et al. 2015 PMID: 25741868, with internal and published modifications).

Labcorp Genetics (formerly Invitae), Labcorp
Classification: Likely benign for Joubert syndrome. Last evaluated: 2025-11-30. Review status: criteria provided, single submitter. Criteria: Invitae Variant Classification Sherloc (09022015). Collection method: clinical testing. Allele origin: germline.

CeGaT Center for Human Genetics Tuebingen
Classification: Likely benign. Last evaluated: 2024-11-01. Review status: criteria provided, single submitter. Criteria: CeGaT Center For Human Genetics Tuebingen Variant Classification Criteria Version 2. Collection method: clinical testing. Allele origin: germline. Affected: yes. Observed: 3 variant alleles.
Comment: AHI1: BP4, BP7

Blueprint Genetics
Classification: Likely benign. Last evaluated: 2024-08-19. Review status: criteria provided, single submitter. Criteria: ACMG Guidelines, 2015. Collection method: clinical testing. Allele origin: germline.

Fulgent Genetics
Classification: Likely benign for Joubert syndrome 3. Last evaluated: 2021-12-23. Review status: criteria provided, single submitter. Criteria: ACMG Guidelines, 2015. Collection method: clinical testing. Allele origin: unknown.

GeneDx
Classification: Likely benign. Last evaluated: 2016-02-09. Review status: criteria provided, single submitter. Criteria: GeneDx Variant Classification (06012015). Collection method: clinical testing. Allele origin: germline. Affected: yes.
Comment: This variant is considered likely benign or benign based on one or more of the following criteria: it is a conservative change, it occurs at a poorly conserved position in the protein, it is predicted to be benign by multiple in silico algorithms, and/or has population frequency not consistent with disease.

NM_001134831.2(AHI1):c.573A>C (p.Ala191=)

Gene: AHI1 (Abelson helper integration site 1; minus strand). Cytogenetic location: 6q23.3.
Variant type: single nucleotide variant.
Coding change: c.573A>C on transcript NM_001134831.2 (MANE Select); coding-DNA position 573, A replaced by C.
Protein change: p.Ala191=; no amino-acid change (alanine 191 retained).
Molecular consequence: synonymous variant.
Genome position (GRCh38, 1-based): chr6:135,465,990, T>G on the plus strand (A>C on the coding strand, the complement: AHI1 is on the minus strand). VCF-style: chr6-135465990-T-G. GRCh37 (hg19) VCF-style: chr6-135787128-T-G.
Other names: c.573A>C, p.Ala191= (NM_001134830.2, NM_001134832.2, NM_001350503.2 and 2 more transcripts).
Identifiers: ClinVar variation 383598 (VCV000383598.37), dbSNP rs200993978, ClinGen allele CA4012805.